The following is an entry in ClinVar:

NM_006073.4(TRDN):c.1137T>G (p.Asp379Glu)

Gene: TRDN (triadin; minus strand). Cytogenetic location: 6q22.31.
Variant type: single nucleotide variant.
Coding change: c.1137T>G on transcript NM_006073.4 (MANE Select); coding-DNA position 1137, T replaced by G.
Protein change: p.Asp379Glu; replaces aspartic acid 379 with glutamic acid.
Molecular consequence: missense variant.
Genome position (GRCh38, 1-based): chr6:123,382,146, A>C on the plus strand (T>G on the coding strand, the complement: TRDN is on the minus strand). VCF-style: chr6-123382146-A-C. GRCh37 (hg19) VCF-style: chr6-123703291-A-C.
Other names: c.1140T>G, p.Asp380Glu (NM_001251987.2); short protein forms D379E, D380E.
Identifiers: ClinVar variation 373636 (VCV000373636.14), dbSNP rs200706450, ClinGen allele CA3984106.

ClinVar aggregate classification (germline): Conflicting classifications of pathogenicity. Review status: criteria provided, conflicting classifications (1 of 4 stars). 4 submissions from 4 submitters: Uncertain significance (3); Likely benign (1). Last evaluated 2025-06-24.

Conditions:
Cardiovascular phenotype. Identifiers: MedGen CN230736.
Catecholaminergic polymorphic ventricular tachycardia 1. Also called: VENTRICULAR TACHYCARDIA, STRESS-INDUCED POLYMORPHIC 1; VENTRICULAR TACHYCARDIA, CATECHOLAMINERGIC POLYMORPHIC, 1, WITH OR WITHOUT ATRIAL DYSFUNCTION AND/OR DILATED CARDIOMYOPATHY; RYR2-Related Catecholaminergic Polymorphic Ventricular Tachycardia. Identifiers: Orphanet 3286, MedGen C1631597, MONDO:0011484, OMIM 604772.
Catecholaminergic polymorphic ventricular tachycardia 5 (CARDAR). Also called: CARDIAC ARRHYTHMIA SYNDROME, WITH OR WITHOUT SKELETAL MUSCLE WEAKNESS; Ventricular tachycardia, catecholaminergic polymorphic, 5, with or without muscle weakness. Identifiers: Orphanet 3286, MedGen C3809536, MONDO:0014191, OMIM 615441.

Allele frequency attached by ClinVar (database versions not stated): ExAC below 0.00001; gnomAD exomes 0.00006 and 0.00015; gnomAD 0.00007 and 0.00008; TOPMed 0.00012.
gnomAD v4.1: 213 of 1,502,384 alleles (0.014%); highest among the groups gnomAD compares: Non-Finnish European, 0.018%; no homozygotes.

Submissions (4):

Ambry Genetics
Classification: Likely benign for Cardiovascular phenotype. Last evaluated: 2025-06-24. Review status: criteria provided, single submitter. Criteria: Ambry Variant Classification Scheme 2023. Collection method: clinical testing. Allele origin: germline.

Labcorp Genetics (formerly Invitae), Labcorp
Classification: Uncertain significance for Catecholaminergic polymorphic ventricular tachycardia 1. Last evaluated: 2022-10-13. Review status: criteria provided, single submitter. Criteria: Invitae Variant Classification Sherloc (09022015). Collection method: clinical testing. Allele origin: germline.
Comment: This sequence change replaces aspartic acid, which is acidic and polar, with glutamic acid, which is acidic and polar, at codon 379 of the TRDN protein (p.Asp379Glu). This variant is present in population databases (rs200706450, gnomAD 0.01%). This variant has not been reported in the literature in individuals affected with TRDN-related conditions. ClinVar contains an entry for this variant (Variation ID: 373636). Algorithms developed to predict the effect of missense changes on protein structure and function (SIFT, PolyPhen-2, Align-GVGD) all suggest that this variant is likely to be tolerated. In summary, the available evidence is currently insufficient to determine the role of this variant in disease. Therefore, it has been classified as a Variant of Uncertain Significance.

Fulgent Genetics
Classification: Uncertain significance for Catecholaminergic polymorphic ventricular tachycardia 1; Catecholaminergic polymorphic ventricular tachycardia 5. Last evaluated: 2021-11-21. Review status: criteria provided, single submitter. Criteria: ACMG Guidelines, 2015. Collection method: clinical testing. Allele origin: unknown.

GeneDx
Classification: Uncertain significance. Last evaluated: 2016-11-29. Review status: criteria provided, single submitter. Criteria: GeneDx Variant Classification (06012015). Collection method: clinical testing. Allele origin: germline. Affected: yes.
Comment: A variant of uncertain significance has been identified in the TRDN gene. The D379E variant has not been published as a pathogenic variant, nor has it been reported as a benign variant to our knowledge. This variant was not observed in approximately 5,400 individuals of European and African American ancestry in the NHLBI Exome Sequencing Project, indicating it is not a common benign variant in these populations. However, D379E is a conservative amino acid substitution, which is not likely to impact secondary protein structure as these residues share similar properties. Additionally, this substitution occurs at a position that is not conserved across species and Glutamic acid is tolerated at this position in at least one species. Finally, in silico analysis is inconsistent in its predictions as to whether or not the variant is damaging to the protein structure/function.Therefore, based on the currently available information, it is unclear whether this variant is pathogenic or rare benign.